The following is an entry in ClinVar:

NM_000018.4(ACADVL):c.900G>A (p.Met300Ile)

Gene: ACADVL (acyl-CoA dehydrogenase very long chain; plus strand). Cytogenetic location: 17p13.1.
Variant type: single nucleotide variant.
Coding change: c.900G>A on transcript NM_000018.4 (MANE Select); coding-DNA position 900, G replaced by A.
Protein change: p.Met300Ile; replaces methionine 300 with isoleucine.
Molecular consequence: missense variant.
Genome position (GRCh38, 1-based): chr17:7,222,688, G>A. VCF-style: chr17-7222688-G-A. GRCh37 (hg19) VCF-style: chr17-7126007-G-A.
Other names: c.834G>A, p.Met278Ile (NM_001033859.3); c.969G>A, p.Met323Ile (NM_001270447.2); c.672G>A, p.Met224Ile (NM_001270448.2); short protein forms M224I, M278I, M300I, M323I.
Identifiers: ClinVar variation 867227 (VCV000867227.2), dbSNP rs2071288305, ClinGen allele CA397723930.
Genomic context (GRCh38, chr17:7,222,688, plus strand): 5'-TTGAACACACCTCTGCTTTCCCACACTGCCCTGACACAGTGGGCCCCCTGAGAAGAAGAT[G>A]GGCATCAAGGCTTCAAACACAGCAGAGGTGTTCTTTGATGGAGTACGGGTGCCATCGGAG-3'
Protein context (NP_000009.1, residues 290-310): GITHGPPEKK[Met300Ile]GIKASNTAEV

ClinVar aggregate classification (germline): Likely pathogenic (0 of 4 stars; one submission).

Conditions:
Very long chain acyl-CoA dehydrogenase deficiency (ACADVLD). Also called: VLCAD Deficiency; Very Long-Chain Acyl-Coenzyme A Dehydrogenase Deficiency. Identifiers: Orphanet 26793, MedGen C3887523, MONDO:0008723, OMIM 201475.

Submission:

Neuromuscular Department, Shariati Hospital, Tehran University of Medical Sciences
Classification: Likely pathogenic for Very long chain acyl-CoA dehydrogenase deficiency. Last evaluated: 2019-12-01. Review status: no assertion criteria provided. Collection method: clinical testing. Allele origin: germline. Affected: yes.
Comment: The CK was 5400 IU/L, and the electromyography showed myopathic changes in proximal muscles of upper and lower limbs without spontaneous activity. Cardiac exams, including physical exam, electrocardiogram, and echocardiography, were normal. Muscle MRI disclosed moderate deposition of fat in paraspinal muscles, adductor, and vastus muscles as well as medial heads of gastrocnemius muscles. Muscle biopsy from left deltoid revealed atrophy of mainly type 1 fibers with multiple necrotic and degenerative/regenerative fibers, some nuclear clumps and no endomysial fibrosis. Oil Red O stain showed fine lipid droplets in muscle fibers and cytochrome oxidase + succinate dehydrogenase stain (COX+SDH) revealed some COX negative fibers.